The following is an entry in ClinVar:

NM_007294.4(BRCA1):c.62dup (p.Glu23fs)

Gene: BRCA1 (BRCA1 DNA repair associated; minus strand). Cytogenetic location: 17q21.31.
Variant type: Duplication.
Coding change: c.62dup on transcript NM_007294.4 (MANE Select); coding-DNA position 62, one base duplicated (T; older notation c.62dupT).
Protein change: p.Glu23fs; shifts the reading frame from glutamic acid 23.
Molecular consequence: frameshift variant. On other transcripts: 5 prime UTR variant (1), non-coding transcript variant (1).
Genome position (GRCh38, 1-based): chr17:43,124,035, A duplicated on the plus strand (T on the coding strand, the reverse complement: BRCA1 is on the minus strand). VCF-style (leftmost placement, unchanged base first): chr17-43124034-G-GA. GRCh37 (hg19) VCF-style: chr17-41276051-G-GA.
Other names: c.62dupT (NM_007294.3); c.-127dup (NM_001407571.1, NM_001407853.1, NM_001407879.1 and 46 more transcripts); c.62dup, p.Glu23Argfs (NM_001407581.1, NM_001407582.1, NM_001407583.1 and 191 more transcripts); c.-196dup (NM_001407694.1, NM_001407724.1, NM_001407727.1 and 11 more transcripts); c.-200dup (NM_001407695.1, NM_001408465.1); c.-341dup (NM_001407696.1); c.-225dup (NM_001407697.1, NM_001407846.1, NM_001407920.1); c.-26dup (NM_001407698.1, NM_001407732.1, NM_001407736.1 and 23 more transcripts); and 10 more; short protein forms E23fs.
Identifiers: ClinVar variation 55651 (VCV000055651.4), dbSNP rs397509303, ClinGen allele CA328036.

ClinVar aggregate classification (germline): Pathogenic. Review status: reviewed by expert panel (3 of 4 stars). 3 submissions from 3 submitters: Pathogenic (1). 2 of the submissions do not count toward it. Last evaluated 2017-12-15.

Conditions:
Familial cancer of breast. Also called: hereditary breast carcinoma; BREAST CANCER, FAMILIAL; Hereditary breast cancer. Identifiers: Orphanet 227535, MedGen C0346153, MONDO:0016419, OMIM 114480. Disease mechanism: loss of function.
Breast-ovarian cancer, familial, susceptibility to, 1 (BROVCA1). Also called: BRCA1 Hereditary Breast and Ovarian Cancer; OVARIAN CANCER, SUSCEPTIBILITY TO. Identifiers: Orphanet 145, MedGen C2676676, MONDO:0011450, OMIM 604370. Disease mechanism: loss of function.

Submissions (3):

Evidence-based Network for the Interpretation of Germline Mutant Alleles (ENIGMA)
Classification: Pathogenic for Breast-ovarian cancer, familial, susceptibility to, 1. Last evaluated: 2017-12-15. Review status: reviewed by expert panel. Criteria: ENIGMA BRCA1/2 Classification Criteria (2017-06-29). Collection method: curation. Allele origin: germline. Study: ENIGMA.
Comment: Variant allele predicted to encode a truncated non-functional protein.

Myriad Genetics, Inc.
Classification: Pathogenic for Breast-ovarian cancer, familial, susceptibility to, 1. Last evaluated: 2023-01-10. Review status: criteria provided, single submitter. Criteria: Myriad Autosomal Dominant, Autosomal Recessive and X-Linked Classification Criteria (2023). Collection method: clinical testing. Allele origin: unknown. Not counted in ClinVar's aggregate classification.
Comment: This variant is considered pathogenic. This variant creates a frameshift predicted to result in premature protein truncation.

ClinVar Staff, National Center for Biotechnology Information (NCBI)
No classification provided. Condition: Familial cancer of breast. Review status: no classification provided. Collection method: literature only. Allele origin: germline. Affected: yes. Not counted in ClinVar's aggregate classification.

Literature cited by the submitters: PubMed 12100744 (cited by ClinVar Staff, National Center for Biotechnology Information (NCBI)).